The following is an entry in ClinVar:

NM_004006.3(DMD):c.1383dup (p.Asp462Ter)

Gene: DMD (dystrophin; minus strand). Cytogenetic location: Xp21.1.
Variant type: Duplication.
Coding change: c.1383dup on transcript NM_004006.3 (MANE Select); coding-DNA position 1383, one base duplicated (T; older notation c.1383dupT).
Protein change: p.Asp462Ter; replaces aspartic acid 462 with a stop codon.
Molecular consequence: nonsense.
Genome position (GRCh38, 1-based): chrX:32,614,402, A duplicated on the plus strand (T on the coding strand, the reverse complement: DMD is on the minus strand). VCF-style (leftmost placement, unchanged base first): chrX-32614401-C-CA. GRCh37 (hg19) VCF-style: chrX-32632518-C-CA.
Other names: c.1359dup, p.Asp454Ter (NM_000109.4); c.1371dup, p.Asp458Ter (NM_004009.3); c.1014dup, p.Asp339Ter (NM_004010.3); short protein forms D339*, D454*, D458*, D462*.
Identifiers: ClinVar variation 1069818 (VCV001069818.7), dbSNP rs2149350194, ClinGen allele CA2499226657.

ClinVar aggregate classification (germline): Pathogenic (1 of 4 stars; one submission).

Conditions:
Duchenne muscular dystrophy (DMD). Also called: MUSCULAR DYSTROPHY, PSEUDOHYPERTROPHIC PROGRESSIVE, DUCHENNE TYPE; Duchenne Muscular Dystrophy (DMD). Identifiers: Orphanet 98896, MedGen C0013264, MONDO:0010679, OMIM 310200.

Submission:

Labcorp Genetics (formerly Invitae), Labcorp
Classification: Pathogenic for Duchenne muscular dystrophy. Last evaluated: 2020-09-20. Review status: criteria provided, single submitter. Criteria: Invitae Variant Classification Sherloc (09022015). Collection method: clinical testing. Allele origin: germline.
Comment: For these reasons, this variant has been classified as Pathogenic. Loss-of-function variants in DMD are known to be pathogenic (PMID: 16770791, 25007885). This variant has not been reported in the literature in individuals with DMD-related conditions. This variant is not present in population databases (ExAC no frequency). This sequence change creates a premature translational stop signal (p.Asp462*) in the DMD gene. It is expected to result in an absent or disrupted protein product.

Literature cited by the submitters: PubMed 16770791; PubMed 25007885.